The following is an entry in ClinVar:

NM_001206927.2(DNAH8):c.6434A>G (p.Gln2145Arg)

Gene: DNAH8 (dynein axonemal heavy chain 8; plus strand). Cytogenetic location: 6p21.2.
Variant type: single nucleotide variant.
Coding change: c.6434A>G on transcript NM_001206927.2 (MANE Select); coding-DNA position 6434, A replaced by G.
Protein change: p.Gln2145Arg; replaces glutamine 2145 with arginine.
Molecular consequence: missense variant.
Genome position (GRCh38, 1-based): chr6:38,863,996, A>G. VCF-style: chr6-38863996-A-G. GRCh37 (hg19) VCF-style: chr6-38831772-A-G.
Other names: c.5783A>G, p.Gln1928Arg (NM_001371.4); short protein forms Q1928R, Q2145R.
Identifiers: ClinVar variation 1449993 (VCV001449993.6), dbSNP rs780541458, ClinGen allele CA3789652.
Genomic context (GRCh38, chr6:38,863,996, plus strand): 5'-TATCAGTGGCAGCACAACAAATTTATATTGTTTTGACAGCAAGAAAAGAAAGAAAGAAAC[A>G]GTTCATTTTTTCTGATGGTGATTGTGTTGATTTAAATCCAGAATTTGGAATCTTCTTAAC-3'
Protein context (NP_001193856.1, residues 2135-2155): VLTARKERKK[Gln2145Arg]FIFSDGDCVD

ClinVar aggregate classification (germline): Uncertain significance. Review status: criteria provided, multiple submitters, no conflicts (2 of 4 stars). 2 submissions from 2 submitters: Uncertain significance (2). Last evaluated 2021-09-02.

Conditions:
Primary ciliary dyskinesia. Also called: Ciliary dyskinesia. Identifiers: Orphanet 244, MedGen C0008780, MONDO:0016575, HP:0012265.
Spermatogenic failure 46. Identifiers: MedGen C5436799, MONDO:0033673, OMIM 619095.

Allele frequency attached by ClinVar (database versions not stated): ExAC 0.00005; gnomAD exomes 0.00006 and 0.00007; TOPMed 0.00007; gnomAD 0.00009.
gnomAD v4.1: 105 of 1,611,472 alleles (0.0065%); highest among the groups gnomAD compares: Middle Eastern, 0.05%; no homozygotes.

Submissions (2):

Fulgent Genetics
Classification: Uncertain significance for Spermatogenic failure 46. Last evaluated: 2021-09-02. Review status: criteria provided, single submitter. Criteria: ACMG Guidelines, 2015. Collection method: clinical testing. Allele origin: unknown.

Labcorp Genetics (formerly Invitae), Labcorp
Classification: Uncertain significance for Primary ciliary dyskinesia. Last evaluated: 2021-08-30. Review status: criteria provided, single submitter. Criteria: Invitae Variant Classification Sherloc (09022015). Collection method: clinical testing. Allele origin: germline.
Comment: This sequence change replaces glutamine with arginine at codon 2145 of the DNAH8 protein (p.Gln2145Arg). The glutamine residue is highly conserved and there is a small physicochemical difference between glutamine and arginine. This variant is present in population databases (rs780541458, ExAC 0.009%). This variant has not been reported in the literature in individuals affected with DNAH8-related conditions. Algorithms developed to predict the effect of missense changes on protein structure and function are either unavailable or do not agree on the potential impact of this missense change (SIFT: "Deleterious"; PolyPhen-2: "Not Available"; Align-GVGD: "Class C0"). In summary, the available evidence is currently insufficient to determine the role of this variant in disease. Therefore, it has been classified as a Variant of Uncertain Significance.